The following is an entry in ClinVar:

ClinVar aggregate classification (germline): Likely benign. Review status: criteria provided, multiple submitters, no conflicts (2 of 4 stars). 2 submissions from 2 submitters: Likely benign (2). Last evaluated 2024-01-15.

Conditions:
Progressive myoclonic epilepsy type 3. Also called: KCTD7-Related Progressive Myoclonic Epilepsy; EPILEPSY, PROGRESSIVE MYOCLONIC, 3, WITH OR WITHOUT INTRACELLULAR INCLUSIONS; CEROID LIPOFUSCINOSIS, NEURONAL, 14; EPILEPSY, PROGRESSIVE MYOCLONIC, 3, WITHOUT INTRACELLULAR INCLUSIONS. Identifiers: Orphanet 263516, MedGen C2673257, MONDO:0012721, OMIM 611726.

Allele frequency attached by ClinVar (database versions not stated): gnomAD exomes below 0.00001.
gnomAD v4.1: 3 of 1,613,700 alleles (0.00019%); highest among the groups gnomAD compares: African/African-American, 0.0027%; no homozygotes.

Submissions (2):

Labcorp Genetics (formerly Invitae), Labcorp
Classification: Likely benign for Progressive myoclonic epilepsy type 3. Last evaluated: 2024-01-15. Review status: criteria provided, single submitter. Criteria: Invitae Variant Classification Sherloc (09022015). Collection method: clinical testing. Allele origin: germline.

GeneDx
Classification: Likely benign. Last evaluated: 2016-01-29. Review status: criteria provided, single submitter. Criteria: GeneDx Variant Classification (06012015). Collection method: clinical testing. Allele origin: germline. Affected: yes.
Comment: This variant is considered likely benign or benign based on one or more of the following criteria: it is a conservative change, it occurs at a poorly conserved position in the protein, it is predicted to be benign by multiple in silico algorithms, and/or has population frequency not consistent with disease.

NM_153033.5(KCTD7):c.489C>T (p.Tyr163=)

Gene: KCTD7 (potassium channel tetramerization domain containing 7; plus strand). Cytogenetic location: 7q11.21.
Variant type: single nucleotide variant.
Coding change: c.489C>T on transcript NM_153033.5 (MANE Select); coding-DNA position 489, C replaced by T.
Protein change: p.Tyr163=; no amino-acid change (tyrosine 163 retained).
Molecular consequence: synonymous variant.
Genome position (GRCh38, 1-based): chr7:66,638,427, C>T. VCF-style: chr7-66638427-C-T. GRCh37 (hg19) VCF-style: chr7-66103414-C-T.
Other names: c.489C>T, p.Tyr163= (NM_001167961.2).
Identifiers: ClinVar variation 383306 (VCV000383306.4), dbSNP rs1057521582, ClinGen allele CA16605380.